The following is an entry in ClinVar:

ClinVar aggregate classification (germline): Conflicting classifications of pathogenicity. Review status: criteria provided, conflicting classifications (1 of 4 stars). 3 submissions from 3 submitters: Uncertain significance (2); Likely benign (1). Last evaluated 2025-06-03.

gnomAD v4.1: 5 of 1,613,992 alleles (0.00031%); highest among the groups gnomAD compares: Non-Finnish European, 0.00042%; no homozygotes.

Submissions (3):

Labcorp Genetics (formerly Invitae), Labcorp
Classification: Uncertain significance. Last evaluated: 2025-06-03. Review status: criteria provided, single submitter. Criteria: Invitae Variant Classification Sherloc (09022015). Collection method: clinical testing. Allele origin: germline.
Comment: This sequence change affects codon 267 of the RINT1 mRNA. It is a 'silent' change, meaning that it does not change the encoded amino acid sequence of the RINT1 protein. This variant is present in population databases (rs748824111, gnomAD 0.0009%). This variant has not been reported in the literature in individuals affected with RINT1-related conditions. ClinVar contains an entry for this variant (Variation ID: 3433540). Algorithms developed to predict the effect of sequence changes on RNA splicing suggest that this variant may disrupt the consensus splice site. In summary, the available evidence is currently insufficient to determine the role of this variant in disease. Therefore, it has been classified as a Variant of Uncertain Significance.

Ambry Genetics
Classification: Uncertain significance. Last evaluated: 2024-10-21. Review status: criteria provided, single submitter. Criteria: Ambry Variant Classification Scheme 2023. Collection method: clinical testing. Allele origin: germline.
Comment: The c.801G>A variant (also known as p.L267L), located in coding exon 6 of the RINT1 gene, results from a G to A substitution at nucleotide position 801. This nucleotide substitution does not change the leucine at codon 267. This nucleotide position is well conserved in available vertebrate species. In silico splice site analysis for this alteration is inconclusive. The evidence for this gene-disease relationship is limited; therefore, the clinical significance of this alteration is unclear.

Blueprint Genetics
Classification: Likely benign. Last evaluated: 2023-09-26. Review status: criteria provided, single submitter. Criteria: ACMG Guidelines, 2015. Collection method: clinical testing. Allele origin: germline.

NM_021930.6(RINT1):c.801G>A (p.Leu267=)

Gene: RINT1 (RAD50 interactor 1; plus strand). Cytogenetic location: 7q22.3.
Variant type: single nucleotide variant.
Coding change: c.801G>A on transcript NM_021930.6 (MANE Select); coding-DNA position 801, G replaced by A.
Protein change: p.Leu267=; no amino-acid change (leucine 267 retained).
Molecular consequence: synonymous variant. On other transcripts: 5 prime UTR variant (2), non-coding transcript variant (1), intron variant (1).
Genome position (GRCh38, 1-based): chr7:105,547,295, G>A. VCF-style: chr7-105547295-G-A. GRCh37 (hg19) VCF-style: chr7-105187742-G-A.
Other names: c.567G>A, p.Leu189= (NM_001346599.2); c.-219G>A (NM_001346600.2); c.-122G>A (NM_001346601.2); c.-27-2760G>A (NM_001346603.2).
Identifiers: ClinVar variation 3433540 (VCV003433540.3).
Genomic context (GRCh38, chr7:105,547,295, plus strand): 5'-TCAATCACAAACTGTTGGCTTAAGTCGACCTGCCAGTGCCCCGGAGATATACAGTTACCT[G>A]GAGACACTGTTTTGTCAGCTTTTGAAACTACAAACCTCGTATCTTTGTTGCAGCTGAAAA-3'
Protein context (NP_068749.3, residues 257-277): PASAPEIYSY[Leu267=]ETLFCQLLKL